The following is an entry in ClinVar:

NM_001300939.2(WNT8A):c.*405G>A

Gene: WNT8A (Wnt family member 8A; plus strand). Cytogenetic location: 5q31.2.
Variant type: single nucleotide variant.
Coding change: c.*405G>A on transcript NM_001300939.2 (MANE Select); 405 bases downstream of the stop codon, G replaced by A.
Molecular consequence: 3 prime UTR variant. On other transcripts: missense variant (1), non-coding transcript variant (1).
Genome position (GRCh38, 1-based): chr5:138,091,478, G>A. VCF-style: chr5-138091478-G-A. GRCh37 (hg19) VCF-style: chr5-137427167-G-A.
Other names: c.1099G>A, p.Glu367Lys (NM_001300938.2); c.*405G>A (NM_058244.4); short protein forms E367K.
Identifiers: ClinVar variation 3034120 (VCV003034120.2), dbSNP rs752824362, ClinGen allele CA3424877.
Genomic context (GRCh38, chr5:138,091,478, plus strand): 5'-TTTCAGACCATGTCCAACCCAGCTGTGCTGCTGGGAATCAGGAGAATAGAAGCAAAAAAC[G>A]AAAGAGTTCTGTTCAGACTTCTGAAGAGCAGCCTGTGGCTACAAATCTATGCTGATAAAT-3'

ClinVar aggregate classification (germline): Likely benign (0 of 4 stars; one submission).

Conditions:
WNT8A-related disorder. Also called: WNT8A-related condition.

Allele frequency attached by ClinVar (database versions not stated): gnomAD 0.00012; ExAC 0.00032.

Submission:

PreventionGenetics, part of Exact Sciences
Classification: Likely benign for WNT8A-related condition. Last evaluated: 2022-05-23. Review status: no assertion criteria provided. Collection method: clinical testing. Allele origin: germline.
Comment: This variant is classified as likely benign based on ACMG/AMP sequence variant interpretation guidelines (Richards et al. 2015 PMID: 25741868, with internal and published modifications).